The following is an entry in ClinVar:

NM_000188.3(HK1):c.1334C>T (p.Ser445Leu)

Gene: HK1 (hexokinase 1; plus strand). Cytogenetic location: 10q22.1.
Variant type: single nucleotide variant.
Coding change: c.1334C>T on transcript NM_000188.3 (MANE Select); coding-DNA position 1334, C replaced by T.
Protein change: p.Ser445Leu; replaces serine 445 with leucine.
Molecular consequence: missense variant.
Genome position (GRCh38, 1-based): chr10:69,382,555, C>T. VCF-style: chr10-69382555-C-T. GRCh37 (hg19) VCF-style: chr10-71142311-C-T.
Other names: c.1298C>T (NM_033500.2); c.1346C>T, p.Ser449Leu (NM_001322364.2, NM_001358263.1, NM_033497.3 and 1 more transcripts); c.1439C>T, p.Ser480Leu (NM_001322365.2); c.1250C>T, p.Ser417Leu (NM_001322366.1); c.1238C>T, p.Ser413Leu (NM_001322367.1); c.1331C>T, p.Ser444Leu (NM_033496.3); c.1298C>T, p.Ser433Leu (NM_033500.2); short protein forms S433L, S445L, S413L, S417L, S480L, S444L, S449L.
Identifiers: ClinVar variation 421007 (VCV000421007.73), dbSNP rs1064794848, ClinGen allele CA16618972.

ClinVar aggregate classification (germline): Pathogenic/Likely pathogenic. Review status: criteria provided, multiple submitters, no conflicts (2 of 4 stars). 20 submissions from 20 submitters: Pathogenic (11); Likely pathogenic (7). 2 of the submissions do not count toward it. Last evaluated 2025-10-11.

Conditions:
HK1-related disorder. Also called: HK1-related condition; HK1-related disorders.
Retinitis pigmentosa 79 (RP79). Identifiers: MedGen C4479526, MONDO:0044320, OMIM 617460.
Inborn genetic diseases. Identifiers: MedGen C0950123, MeSH D030342.
Neurodevelopmental disorder with visual defects and brain anomalies. Identifiers: MedGen C5231404, MONDO:0032807, OMIM 618547.
Retinitis pigmentosa (RP). Identifiers: Orphanet 791, MedGen C0035334, MeSH D012174, MONDO:0019200, OMIM 268000. Inheritance: Autosomal dominant, autosomal recessive and X linked inheritance.
Hemolytic anemia due to hexokinase deficiency (CNSHA5). Also called: HEMOLYTIC ANEMIA, NONSPHEROCYTIC, DUE TO HEXOKINASE DEFICIENCY; ANEMIA, CONGENITAL, NONSPHEROCYTIC HEMOLYTIC, 5; Hexokinase deficiency hemolytic anemia; Non-spherocytic hemolytic anemia due to hexokinase deficiency. Identifiers: Orphanet 90031, MedGen C3150343, MONDO:0009340, OMIM 235700.
Retinal dystrophy. Also called: Inherited retinal dystrophy. Identifiers: Orphanet 71862, MedGen C0854723, MeSH D058499, MONDO:0019118, HP:0000556.
Autism spectrum disorder. Also called: Autism spectrum disorders. Identifiers: MedGen C1510586, MeSH D000067877, MONDO:0005258.

Submissions (20):

Medical and Scientific Branch, Hong Kong Genome Institute
Classification: Likely pathogenic for Neurodevelopmental disorder with visual defects and brain anomalies. Last evaluated: 2025-10-11. Review status: criteria provided, single submitter. Criteria: ACMG Guidelines, 2015. Collection method: clinical testing. Allele origin: de novo. Affected: yes.

Labcorp Genetics (formerly Invitae), Labcorp
Classification: Pathogenic. Last evaluated: 2025-09-08. Review status: criteria provided, single submitter. Criteria: Invitae Variant Classification Sherloc (09022015). Collection method: clinical testing. Allele origin: germline.
Comment: This sequence change replaces serine, which is neutral and polar, with leucine, which is neutral and non-polar, at codon 445 of the HK1 protein (p.Ser445Leu). This variant is not present in population databases (gnomAD no frequency). This missense change has been observed in individual(s) with retinitis pigmentosa and neurodevelopmental abnormalities (PMID: 30778173). In at least one individual the variant was observed to be de novo. ClinVar contains an entry for this variant (Variation ID: 421007). Invitae Evidence Modeling of protein sequence and biophysical properties (such as structural, functional, and spatial information, amino acid conservation, physicochemical variation, residue mobility, and thermodynamic stability) indicates that this missense variant is expected to disrupt HK1 protein function with a positive predictive value of 80%. Experimental studies are conflicting or provide insufficient evidence to determine the effect of this variant on HK1 function (PMID: 30778173). For these reasons, this variant has been classified as Pathogenic.

Wendy Chung Laboratory, Boston Children's Hospital
Classification: Pathogenic for Neurodevelopmental disorder with visual defects and brain anomalies. Last evaluated: 2024-12-05. Review status: criteria provided, single submitter. Criteria: ACMG Guidelines, 2015. Collection method: clinical testing. Allele origin: de novo. Inheritance: Autosomal dominant inheritance. Affected: yes. Observed: 3 heterozygotes.
Comment: The c.1334C>T variant has been reported de novo in over 10 individuals with HK1-related NEDVIBA in the literature (PMID: 30778173, 31785789, 33057194, 34448047, 36639056, this study) and in ClinVar (ClinVar ID = 421007) with affected status provided. The c.1334C>T variant is absent from population databases (gnomAD v4.1.0, TOPMed Freeze 10, All of Us). The c.1334C>T variant is located in exon 10 of this 18-exon gene and predicted to replace an evolutionarily conserved serine amino acid with leucine at position 445 [p.(Ser445Leu)] within the hexokinase large subdomain 1 of the encoded protein. At least one in silico prediction tool is in support of damaging effect for the p.(Ser445Leu) variant; however, there are no functional studies to confirm or refute these predictions. Based on available evidence this apparently de novo heterozygous c.1334C>T:p.(Ser445Leu) variant identified in HK1 in these individuals is classified as Pathogenic (PS2_Very Strong + PM2_Supp + PP3).

Institute of Human Genetics, Heidelberg University
Classification: Likely pathogenic for Neurodevelopmental disorder with visual defects and brain anomalies. Last evaluated: 2024-08-30. Review status: criteria provided, single submitter. Criteria: ACMG Guidelines, 2015. Collection method: clinical testing. Allele origin: germline. Affected: yes. Observed: 2 variant alleles.

3billion
Classification: Pathogenic for Neurodevelopmental disorder with visual defects and brain anomalies. Last evaluated: 2023-02-23. Review status: criteria provided, single submitter. Criteria: ACMG Guidelines, 2015. Collection method: clinical testing. Allele origin: unknown. Affected: yes.
Comment: The variant is not observed in the gnomAD v2.1.1 dataset. Missense changes are a common disease-causing mechanism. In silico tool predictions suggest damaging effect of the variant on gene or gene product (REVEL: 0.92; 3Cnet: 0.81). Same nucleotide change resulting in same amino acid change has been previously reported as pathogenic/likely pathogenic with strong evidence (ClinVar ID: VCV000421007). Therefore, this variant is classified as Pathogenic according to the recommendation of ACMG/AMP guideline.

Mendelics
Classification: Pathogenic for Hemolytic anemia due to hexokinase deficiency. Last evaluated: 2022-05-04. Review status: criteria provided, single submitter. Criteria: Mendelics Assertion Criteria 2019. Collection method: clinical testing. Allele origin: germline.

GeneDx
Classification: Pathogenic. Last evaluated: 2022-01-14. Review status: criteria provided, single submitter. Criteria: GeneDx Variant Classification Process June 2021. Collection method: clinical testing. Allele origin: germline. Affected: yes.
Comment: Not observed at significant frequency in large population cohorts (gnomAD); In silico analysis supports that this missense variant has a deleterious effect on protein structure/function; This variant is associated with the following publications: (PMID: 30778173, 34866404, 31785789)

Institute for Clinical Genetics, University Hospital TU Dresden, University Hospital TU Dresden
Classification: Pathogenic. Last evaluated: 2021-11-03. Review status: criteria provided, single submitter. Criteria: ACMG Guidelines, 2015. Collection method: clinical testing. Allele origin: germline.

AiLife Diagnostics
Classification: Likely pathogenic. Last evaluated: 2021-06-29. Review status: criteria provided, single submitter. Criteria: ACMG Guidelines, 2015. Collection method: clinical testing. Allele origin: germline. Affected: yes. Observed: 1 variant allele.

Institute of Medical Genetics and Applied Genomics, University Hospital Tübingen
Classification: Likely pathogenic. Last evaluated: 2021-06-17. Review status: criteria provided, single submitter. Criteria: ACMG Guidelines, 2015. Collection method: clinical testing. Allele origin: germline. Inheritance: Autosomal dominant inheritance. Affected: yes.

Institute of Human Genetics, Univ. Regensburg, Univ. Regensburg
Classification: Likely pathogenic for Retinal dystrophy. Last evaluated: 2021-01-01. Review status: criteria provided, single submitter. Criteria: ACMG Guidelines, 2015. Collection method: clinical testing. Allele origin: germline. Affected: yes.

Broad Center for Mendelian Genomics, Broad Institute of MIT and Harvard
Classification: Pathogenic for Retinitis pigmentosa 79. Last evaluated: 2020-05-28. Review status: criteria provided, single submitter. Criteria: ACMG Guidelines, 2015. Collection method: research. Allele origin: germline. Inheritance: Autosomal dominant inheritance.
Comment: Trio exome analysis showed this variant to be de novo, and it was absent from large population studies. This variant has been reported pathogenic by GeneDx and OMIM in ClinVar (Variation ID: 421007). Computational prediction tools and conservation analyses suggest that this variant may impact the protein, though this information is not predictive enough to determine pathogenicity. In summary, although additional studies are required to fully establish its clinical significance, this variant is likely pathogenic. ACMG/AMP Criteria applied: PS2, PM2, PP3, PS4_supporting (Richards 2015).

CeGaT Center for Human Genetics Tuebingen
Classification: Pathogenic. Last evaluated: 2020-02-01. Review status: criteria provided, single submitter. Criteria: CeGaT Center For Human Genetics Tuebingen Variant Classification Criteria Version 2. Collection method: clinical testing. Allele origin: germline. Affected: yes. Observed: 1 variant allele.

Ambry Genetics
Classification: Likely pathogenic for Inborn genetic diseases. Last evaluated: 2019-09-13. Review status: criteria provided, single submitter. Criteria: Ambry exome assertion method (8-5-2015). Collection method: clinical testing. Allele origin: germline. Affected: yes. Observed: 1 variant allele.

Blueprint Genetics
Classification: Pathogenic for HK1-related disorders. Last evaluated: 2017-05-17. Review status: criteria provided, single submitter. Criteria: ACMG Guidelines, 2015. Collection method: clinical testing. Allele origin: germline. Affected: yes. Observed: 2 variant alleles.

Clinical Genetics Service, Universitary Hospital 12 de Octubre
Classification: Pathogenic for Neurodevelopmental disorder with visual defects and brain anomalies. Review status: criteria provided, single submitter. Criteria: ACMG Guidelines, 2015. Collection method: clinical testing. Allele origin: germline. Affected: yes.

Department of Genetics, Fundacion Jimenez Diaz University Hospital
Classification: Likely pathogenic for Retinitis pigmentosa. Review status: criteria provided, single submitter. Criteria: ACMG Guidelines, 2015. Collection method: clinical testing. Allele origin: de novo. Affected: yes.
Comment: Variant not found in population databases, predicted deleterious by in-silico pathogenicity predictors, reported as pathogenic in ClinVar (VCV000421007.7) , and found to be a de novo variant. (ACMG: PM2 Moderate; PM6: Moderate; PP3 Supporting; PP5: Supporting)

Department of Genetics, Rouen University Hospital, Normandy Center for Genomic and Personalized Medicine
Classification: Pathogenic for Autism spectrum disorder. Review status: criteria provided, single submitter. Criteria: ACMG Guidelines, 2015. Collection method: clinical testing. Allele origin: de novo. Affected: yes.

Molecular Genetics laboratory, Necker Hospital
Classification: Pathogenic. Last evaluated: 2022-04-26. Review status: no assertion criteria provided. Collection method: clinical testing. Allele origin: de novo. Affected: yes. Not counted in ClinVar's aggregate classification.

OMIM
Classification: Pathogenic for NEURODEVELOPMENTAL DISORDER WITH VISUAL DEFECTS AND BRAIN ANOMALIES. Last evaluated: 2019-08-22. Review status: no assertion criteria provided. Collection method: literature only. Allele origin: germline. Not counted in ClinVar's aggregate classification.

Literature cited by the submitters: PubMed 30778173 (cited by 7 submitters); PubMed 31785789 (cited by Institute of Human Genetics, Univ. Regensburg, Univ. Regensburg); PubMed 34448047 (cited by Institute of Human Genetics, Univ. Regensburg, Univ. Regensburg).